The following is an entry in ClinVar:

NM_138383.3(MTSS2):c.1858G>A (p.Asp620Asn)

Gene: MTSS2 (MTSS I-BAR domain containing 2; minus strand). Cytogenetic location: 16q22.1.
Variant type: single nucleotide variant.
Coding change: c.1858G>A on transcript NM_138383.3 (MANE Select); coding-DNA position 1858, G replaced by A.
Protein change: p.Asp620Asn; replaces aspartic acid 620 with asparagine.
Molecular consequence: missense variant.
Genome position (GRCh38, 1-based): chr16:70,664,063, C>T on the plus strand (G>A on the coding strand, the complement: MTSS2 is on the minus strand). VCF-style: chr16-70664063-C-T. GRCh37 (hg19) VCF-style: chr16-70697966-C-T.
Other names: p.Asp620Asn; c.1858G>A (NM_138383.2); short protein forms D620N.
Identifiers: ClinVar variation 2506995 (VCV002506995.3), dbSNP rs776065067, ClinGen allele CA8146430.

ClinVar aggregate classification (germline): Conflicting classifications of pathogenicity. Review status: criteria provided, conflicting classifications (1 of 4 stars). 2 submissions from 2 submitters: Uncertain significance (1); Likely benign (1). Last evaluated 2025-02-25.

Conditions:
Intellectual developmental disorder with ocular anomalies and distinctive facial features (IDDOF). Identifiers: MedGen C5774238, MONDO:0859303, OMIM 620086.

Allele frequency attached by ClinVar (database versions not stated): gnomAD 0.00002; TOPMed 0.00005; ExAC 0.00009.
gnomAD v4.1: 33 of 1,611,092 alleles (0.002%); highest among the groups gnomAD compares: Admixed American, 0.022%; no homozygotes.

Submissions (2):

Ambry Genetics
Classification: Likely benign. Last evaluated: 2025-02-25. Review status: criteria provided, single submitter. Criteria: Ambry Variant Classification Scheme 2023. Collection method: clinical testing. Allele origin: germline.

Foundation for Research in Genetics and Endocrinology, FRIGE's Institute of Human Genetics
Classification: Uncertain significance for Intellectual developmental disorder with ocular anomalies and distinctive facial features. Last evaluated: 2023-06-16. Review status: criteria provided, single submitter. Criteria: ACMG Guidelines, 2015. Collection method: clinical testing. Allele origin: germline. Inheritance: Autosomal dominant inheritance. Affected: yes. Observed: 1 heterozygote.
Comment: A heterozygous missense variant in Exon 15 of the MTSS2 gene that results in the amino acid substitution of Asparagine for Aspartic acid at codon 620 (p.Asp620Asn) was detected. The p.Asp620Asn variant has not been reported in the 1000 genomes databases and has a minor allele frequency of 0.00263%, 0.00702% and 0.00491% in the gnomAD (v3.1), gnomdAD (v2) and topmed databases respectively. The reference codon is conserved across mammals. In summary, the variant meets our criteria to be classified as a variant of uncertain significance.